The following is an entry in ClinVar:

NM_001005242.3(PKP2):c.1366A>G (p.Lys456Glu)

Gene: PKP2 (plakophilin 2; minus strand). Cytogenetic location: 12p11.21.
Variant type: single nucleotide variant.
Coding change: c.1366A>G on transcript NM_001005242.3 (MANE Select); coding-DNA position 1366, A replaced by G.
Protein change: p.Lys456Glu; replaces lysine 456 with glutamic acid.
Molecular consequence: missense variant.
Genome position (GRCh38, 1-based): chr12:32,850,778, T>C on the plus strand (A>G on the coding strand, the complement: PKP2 is on the minus strand). VCF-style: chr12-32850778-T-C. GRCh37 (hg19) VCF-style: chr12-33003712-T-C.
Other names: c.1366A>G, p.Lys456Glu (NM_001407155.1, NM_001407156.1, NM_001407157.1 and 2 more transcripts); c.1039A>G, p.Lys347Glu (NM_001407158.1, NM_001407159.1, NM_001407160.1 and 1 more transcripts); short protein forms K347E, K456E.
Identifiers: ClinVar variation 3307103 (VCV003307103.1).
Genomic context (GRCh38, chr12:32,850,778, plus strand): 5'-GGCTGGGGTGCAAATGTGTTAGGTTCTTCAATGTTCAGTAAGCACTACCTGTTATTTGTT[T>C]TTTAGTCTCCAAGTCTCTGGTTTGCTTCAGCACCTGGAGCAGCCGAGGTACCCCATTTAG-3'
Protein context (NP_001005242.2, residues 446-466): LKQTRDLETK[Lys456Glu]QITGLLWNLS

ClinVar aggregate classification (germline): Uncertain significance (1 of 4 stars; one submission).

Conditions:
Cardiovascular phenotype. Identifiers: MedGen CN230736.

gnomAD v4.1: 1 of 1,612,412 alleles (0.000062%); highest among the groups gnomAD compares: Non-Finnish European, 0.000085%; no homozygotes.

Submission:

Ambry Genetics
Classification: Uncertain significance for Cardiovascular phenotype. Last evaluated: 2024-06-09. Review status: criteria provided, single submitter. Criteria: Ambry Variant Classification Scheme 2023. Collection method: clinical testing. Allele origin: germline.
Comment: The p.K456E variant (also known as c.1366A>G), located in coding exon 5 of the PKP2 gene, results from an A to G substitution at nucleotide position 1366. The lysine at codon 456 is replaced by glutamic acid, an amino acid with similar properties. This amino acid position is conserved. In addition, this alteration is predicted to be tolerated by in silico analysis. Based on the available evidence, the clinical significance of this variant remains unclear.